The following is an entry in ClinVar:

NM_004444.5(EPHB4):c.2459C>A (p.Pro820Gln)

Genes: EPHB4 (EPH receptor B4; minus strand), LOC126860124 (CDK7 strongly-dependent group 2 enhancer GRCh37_chr7:100403701-100404900; plus strand). Cytogenetic location: 7q22.1.
Variant type: single nucleotide variant.
Coding change: c.2459C>A on transcript NM_004444.5 (MANE Select); coding-DNA position 2459, C replaced by A.
Protein change: p.Pro820Gln; replaces proline 820 with glutamine.
Molecular consequence: missense variant.
Genome position (GRCh38, 1-based): chr7:100,806,445, G>T on the plus strand (C>A on the coding strand, the complement: EPHB4 is on the minus strand). VCF-style: chr7-100806445-G-T. GRCh37 (hg19) VCF-style: chr7-100404067-G-T.
Other names: short protein forms P820Q.
Identifiers: ClinVar variation 2989289 (VCV002989289.3), dbSNP rs1584653650, ClinGen allele CA368567462.

ClinVar aggregate classification (germline): Uncertain significance (1 of 4 stars; one submission).

Submission:

Labcorp Genetics (formerly Invitae), Labcorp
Classification: Uncertain significance. Last evaluated: 2022-12-14. Review status: criteria provided, single submitter. Criteria: Invitae Variant Classification Sherloc (09022015). Collection method: clinical testing. Allele origin: germline.
Comment: In summary, the available evidence is currently insufficient to determine the role of this variant in disease. Therefore, it has been classified as a Variant of Uncertain Significance. This sequence change replaces proline, which is neutral and non-polar, with glutamine, which is neutral and polar, at codon 820 of the EPHB4 protein (p.Pro820Gln). This variant disrupts the p.Pro820 amino acid residue in EPHB4. Other variant(s) that disrupt this residue have been observed in individuals with EPHB4-related conditions (PMID: 28687708), which suggests that this may be a clinically significant amino acid residue. Advanced modeling of protein sequence and biophysical properties (such as structural, functional, and spatial information, amino acid conservation, physicochemical variation, residue mobility, and thermodynamic stability) performed at Invitae indicates that this missense variant is expected to disrupt EPHB4 protein function. This missense change has been observed in individual(s) with clinical features of EPHB4-related conditions (Invitae). This variant is not present in population databases (gnomAD no frequency).

Literature cited by the submitters: PubMed 28687708.